The following is an entry in ClinVar:

NM_001378454.1(ALMS1):c.6123G>C (p.Gln2041His)

Gene: ALMS1 (ALMS1 centrosome and basal body associated protein; plus strand). Cytogenetic location: 2p13.1.
Variant type: single nucleotide variant.
Coding change: c.6123G>C on transcript NM_001378454.1 (MANE Select); coding-DNA position 6123, G replaced by C.
Protein change: p.Gln2041His; replaces glutamine 2041 with histidine.
Molecular consequence: missense variant.
Genome position (GRCh38, 1-based): chr2:73,452,650, G>C. VCF-style: chr2-73452650-G-C. GRCh37 (hg19) VCF-style: chr2-73679777-G-C.
Other names: c.6126G>C, p.Gln2042His (NM_015120.4); short protein forms Q2041H, Q2042H.
Identifiers: ClinVar variation 2037003 (VCV002037003.2), dbSNP rs1474595045, ClinGen allele CA347284988.

ClinVar aggregate classification (germline): Uncertain significance. Review status: criteria provided, multiple submitters, no conflicts (2 of 4 stars). 2 submissions from 2 submitters: Uncertain significance (2). Last evaluated 2024-10-27.

Conditions:
Cardiovascular phenotype. Identifiers: MedGen CN230736.
Alstrom syndrome (ALMS). Identifiers: Orphanet 64, MedGen C0268425, MONDO:0008763, OMIM 203800.

Allele frequency attached by ClinVar (database versions not stated): gnomAD exomes 0.00001.
gnomAD v4.1: 19 of 1,613,926 alleles (0.0012%); highest among the groups gnomAD compares: Admixed American, 0.0017%; no homozygotes.

Submissions (2):

Ambry Genetics
Classification: Uncertain significance for Cardiovascular phenotype. Last evaluated: 2024-10-27. Review status: criteria provided, single submitter. Criteria: Ambry Variant Classification Scheme 2023. Collection method: clinical testing. Allele origin: germline.
Comment: The p.Q2042H variant (also known as c.6126G>C), located in coding exon 8 of the ALMS1 gene, results from a G to C substitution at nucleotide position 6126. The glutamine at codon 2042 is replaced by histidine, an amino acid with highly similar properties. This amino acid position is poorly conserved in available vertebrate species. In addition, this alteration is predicted to be tolerated by in silico analysis. Based on the available evidence, the clinical significance of this variant remains unclear.

Labcorp Genetics (formerly Invitae), Labcorp
Classification: Uncertain significance for Alstrom syndrome. Last evaluated: 2022-06-03. Review status: criteria provided, single submitter. Criteria: Invitae Variant Classification Sherloc (09022015). Collection method: clinical testing. Allele origin: germline.
Comment: This sequence change replaces glutamine with histidine at codon 2042 of the ALMS1 protein (p.Gln2042His). The glutamine residue is weakly conserved and there is a small physicochemical difference between glutamine and histidine. The frequency data for this variant in the population databases is considered unreliable, as metrics indicate poor data quality at this position in the gnomAD database. This variant has not been reported in the literature in individuals affected with ALMS1-related conditions. Experimental studies and prediction algorithms are not available or were not evaluated, and the functional significance of this variant is currently unknown. In summary, the available evidence is currently insufficient to determine the role of this variant in disease. Therefore, it has been classified as a Variant of Uncertain Significance.